The following is an entry in ClinVar:

NM_000435.3(NOTCH3):c.*837G>A

Gene: NOTCH3 (notch receptor 3; minus strand). Cytogenetic location: 19p13.12.
Variant type: single nucleotide variant.
Coding change: c.*837G>A on transcript NM_000435.3 (MANE Select); 837 bases downstream of the stop codon, G replaced by A.
Molecular consequence: 3 prime UTR variant.
Genome position (GRCh38, 1-based): chr19:15,159,825, C>T on the plus strand (G>A on the coding strand, the complement: NOTCH3 is on the minus strand). VCF-style: chr19-15159825-C-T. GRCh37 (hg19) VCF-style: chr19-15270636-C-T.
Identifiers: ClinVar variation 328359 (VCV000328359.6), dbSNP rs12082, ClinGen allele CA10642369.

ClinVar aggregate classification (germline): Benign. Review status: criteria provided, multiple submitters, no conflicts (2 of 4 stars). 2 submissions from 2 submitters: Benign (2). Last evaluated 2017-04-27.

Conditions:
Cerebral arteriopathy, autosomal dominant, with subcortical infarcts and leukoencephalopathy, type 1 (CADASIL1). Also called: CADASIL 1; Cerebral arteriopathy with subcortical infarcts and leukoencephalopathy 1; CASIL; DEMENTIA, HEREDITARY MULTIINFARCT TYPE. Identifiers: Orphanet 136, MedGen C4551768, MONDO:0000914, OMIM 125310.

Allele frequency attached by ClinVar (database versions not stated): gnomAD 0.02010 and 0.02227; gnomAD exomes 0.03415; TOPMed 0.02162; 1000 Genomes Project 30x 0.03435; 1000 Genomes Project 0.03654.

Submissions (2):

Illumina Laboratory Services, Illumina
Classification: Benign for Cerebral arteriopathy, autosomal dominant, with subcortical infarcts and leukoencephalopathy, type 1. Last evaluated: 2017-04-27. Review status: criteria provided, single submitter. Criteria: ICSL Variant Classification Criteria 13 December 2019. Collection method: clinical testing. Allele origin: germline.
Comment: This variant was observed as part of a predisposition screen in an ostensibly healthy population. A literature search was performed for the gene, cDNA change, and amino acid change (where applicable). No publications were found based on this search. Allele frequency data from public databases was too high to be consistent with this variant causing disease. Therefore, this variant is classified as benign.

Breakthrough Genomics
Classification: Benign. Review status: criteria provided, single submitter. Criteria: ACMG Guidelines, 2015. Collection method: not provided. Allele origin: germline. Inheritance: Autosomal dominant inheritance. Affected: yes.